The following is an entry in ClinVar:

ClinVar aggregate classification (germline): Pathogenic/Likely pathogenic. Review status: criteria provided, multiple submitters, no conflicts (2 of 4 stars). 2 submissions from 2 submitters: Pathogenic (1); Likely pathogenic (1). Last evaluated 2025-02-20.

Conditions:
Primary ciliary dyskinesia. Also called: Ciliary dyskinesia. Identifiers: Orphanet 244, MedGen C0008780, MONDO:0016575, HP:0012265.
Primary ciliary dyskinesia 7. Also called: CILIARY DYSKINESIA, PRIMARY, 7, WITH OR WITHOUT SITUS INVERSUS. Identifiers: Orphanet 244, MedGen C2678473, MONDO:0012748, OMIM 611884.

Allele frequency attached by ClinVar (database versions not stated): gnomAD exomes below 0.00001; ExAC 0.00001; gnomAD 0.00001; TOPMed 0.00001.
gnomAD v4.1: 4 of 1,613,868 alleles (0.00025%); highest among the groups gnomAD compares: African/African-American, 0.0027%; no homozygotes.

Submissions (2):

Broad Center for Mendelian Genomics, Broad Institute of MIT and Harvard
Classification: Likely pathogenic for Primary ciliary dyskinesia 7. Last evaluated: 2025-02-20. Review status: criteria provided, single submitter. Criteria: ACMG Guidelines, 2015. Collection method: curation. Allele origin: germline. Inheritance: Autosomal recessive inheritance.
Comment: The p.Gln4324Ter variant in DNAH11 has been reported in 1 individual with primary ciliary dyskinesia (PMID: 31772028), and has been identified in 0.003% (2/74916) of African/African American chromosomes by the Genome Aggregation Database (gnomAD; dbSNP rs769756688). Although this variant has been seen in the general population in a heterozygous state, its frequency is low enough to be consistent with a recessive carrier frequency. This nonsense variant leads to a premature termination codon at position 4324, which is predicted to lead to a truncated or absent protein. Loss of function of the DNAH11 gene is an established disease mechanism in autosomal recessive primary ciliary dyskinesia. In summary, although additional studies are required to fully establish its clinical significance, this variant is likely pathogenic for autosomal recessive primary ciliary dyskinesia. ACMG/AMP Criteria applied: PVS1, PM2_supporting (Richards 2015).

Labcorp Genetics (formerly Invitae), Labcorp
Classification: Pathogenic for Primary ciliary dyskinesia. Last evaluated: 2024-05-23. Review status: criteria provided, single submitter. Criteria: Invitae Variant Classification Sherloc (09022015). Collection method: clinical testing. Allele origin: germline.
Comment: This sequence change creates a premature translational stop signal (p.Gln4324*) in the DNAH11 gene. It is expected to result in an absent or disrupted protein product. Loss-of-function variants in DNAH11 are known to be pathogenic (PMID: 18022865, 20513915, 22184204). This variant is present in population databases (rs769756688, gnomAD 0.007%). This premature translational stop signal has been observed in individuals with primary ciliary dyskinesia (PMID: 31772028). Algorithms developed to predict the effect of sequence changes on RNA splicing suggest that this variant may disrupt the consensus splice site. For these reasons, this variant has been classified as Pathogenic.

Literature cited by the submitters: PubMed 18022865 (cited by Labcorp Genetics (formerly Invitae), Labcorp); PubMed 20513915 (cited by Labcorp Genetics (formerly Invitae), Labcorp); PubMed 22184204 (cited by Labcorp Genetics (formerly Invitae), Labcorp); PubMed 31772028 (cited by Labcorp Genetics (formerly Invitae), Labcorp).

NM_001277115.2(DNAH11):c.12970C>T (p.Gln4324Ter)

Gene: DNAH11 (dynein axonemal heavy chain 11; plus strand). Cytogenetic location: 7p15.3.
Variant type: single nucleotide variant.
Coding change: c.12970C>T on transcript NM_001277115.2 (MANE Select); coding-DNA position 12970, C replaced by T.
Protein change: p.Gln4324Ter; replaces glutamine 4324 with a stop codon.
Molecular consequence: nonsense.
Genome position (GRCh38, 1-based): chr7:21,894,920, C>T. VCF-style: chr7-21894920-C-T. GRCh37 (hg19) VCF-style: chr7-21934538-C-T.
Other names: NM_001277115.2:c.12970C>T; c.12991C>T, p.Gln4331Ter (NM_003777.3); short protein forms Q4324*, Q4331*.
Identifiers: ClinVar variation 2902383 (VCV002902383.4), dbSNP rs769756688, ClinGen allele CA4183236.